The following is an entry in ClinVar:

NM_001854.4(COL11A1):c.262C>G (p.Gln88Glu)

Gene: COL11A1 (collagen type XI alpha 1 chain; minus strand). Cytogenetic location: 1p21.1.
Variant type: single nucleotide variant.
Coding change: c.262C>G on transcript NM_001854.4 (MANE Select); coding-DNA position 262, C replaced by G.
Protein change: p.Gln88Glu; replaces glutamine 88 with glutamic acid.
Molecular consequence: missense variant. On other transcripts: non-coding transcript variant (1).
Genome position (GRCh38, 1-based): chr1:103,082,817, G>C on the plus strand (C>G on the coding strand, the complement: COL11A1 is on the minus strand). VCF-style: chr1-103082817-G-C. GRCh37 (hg19) VCF-style: chr1-103548373-G-C.
Other names: c.262C>G, p.Gln88Glu (NM_001168249.1, NM_001190709.2, NM_080629.3 and 1 more transcripts); short protein forms Q88E.
Identifiers: ClinVar variation 2071577 (VCV002071577.4), dbSNP rs745563977, ClinGen allele CA975518.

ClinVar aggregate classification (germline): Uncertain significance (1 of 4 stars; one submission).

Allele frequency attached by ClinVar (database versions not stated): gnomAD exomes below 0.00001; ExAC 0.00001.
gnomAD v4.1: 3 of 1,612,930 alleles (0.00019%); highest among the groups gnomAD compares: South Asian, 0.0011%; no homozygotes.

Submission:

Labcorp Genetics (formerly Invitae), Labcorp
Classification: Uncertain significance. Last evaluated: 2022-12-19. Review status: criteria provided, single submitter. Criteria: Invitae Variant Classification Sherloc (09022015). Collection method: clinical testing. Allele origin: germline.
Comment: This sequence change replaces glutamine, which is neutral and polar, with glutamic acid, which is acidic and polar, at codon 88 of the COL11A1 protein (p.Gln88Glu). In summary, the available evidence is currently insufficient to determine the role of this variant in disease. Therefore, it has been classified as a Variant of Uncertain Significance. Advanced modeling of protein sequence and biophysical properties (such as structural, functional, and spatial information, amino acid conservation, physicochemical variation, residue mobility, and thermodynamic stability) performed at Invitae indicates that this missense variant is not expected to disrupt COL11A1 protein function. This variant has not been reported in the literature in individuals affected with COL11A1-related conditions. This variant is not present in population databases (gnomAD no frequency).